The following is an entry in ClinVar:

NM_001365536.1(SCN9A):c.3690C>G (p.Asp1230Glu)

Genes: SCN1A-AS1 (SCN1A and SCN9A antisense RNA 1; plus strand), SCN9A (sodium voltage-gated channel alpha subunit 9; minus strand). Cytogenetic location: 2q24.3.
Variant type: single nucleotide variant.
Coding change: c.3690C>G on transcript NM_001365536.1 (MANE Select); coding-DNA position 3690, C replaced by G.
Protein change: p.Asp1230Glu; replaces aspartic acid 1230 with glutamic acid.
Molecular consequence: missense variant.
Genome position (GRCh38, 1-based): chr2:166,238,205, G>C on the plus strand (C>G on the coding strand, the complement: SCN9A is on the minus strand). VCF-style: chr2-166238205-G-C. GRCh37 (hg19) VCF-style: chr2-167094715-G-C.
Other names: c.3657C>G, p.Asp1219Glu (NM_002977.4); short protein forms D1219E, D1230E.
Identifiers: ClinVar variation 1051383 (VCV001051383.10), dbSNP rs750397053, ClinGen allele CA1944015.
Genomic context (GRCh38, chr2:166,238,205, plus strand): 5'-ATAACCATATGCTATCCATTTTAGAAGCATTTCCAGAATGAAGATGTAAGTGAAGATCTT[G>C]TCTGCATACTCCAGGATAATCTTAATGGTCTTTTTCCTTTCAATATAAATATCTTCAAAA-3'
Protein context (NP_001352465.1, residues 1220-1240): KTIKIILEYA[Asp1230Glu]KIFTYIFILE

ClinVar aggregate classification (germline): Uncertain significance. Review status: criteria provided, multiple submitters, no conflicts (2 of 4 stars). 2 submissions from 2 submitters: Uncertain significance (2). Last evaluated 2025-03-11.

Conditions:
Neuropathy, hereditary sensory and autonomic, type 2A (HSAN2A). Also called: HSAN IIA; ACROOSTEOLYSIS, GIACCAI TYPE; ACROOSTEOLYSIS, NEUROGENIC; MORVAN DISEASE; NEUROPATHY, CONGENITAL SENSORY; NEUROPATHY, HEREDITARY SENSORY RADICULAR, AUTOSOMAL RECESSIVE. Identifiers: Orphanet 970, MedGen C2752089, MONDO:0024309, OMIM 201300.
Generalized epilepsy with febrile seizures plus, type 7 (GEFSP7). Also called: GEFS+, TYPE 7. Identifiers: Orphanet 36387, MedGen C2751778, MONDO:0013470, OMIM 613863.
Inborn genetic diseases. Identifiers: MedGen C0950123, MeSH D030342.

Allele frequency attached by ClinVar (database versions not stated): ExAC 0.00001; gnomAD 0.00001; gnomAD exomes 0.00001; TOPMed 0.00001.
gnomAD v4.1: 10 of 1,604,510 alleles (0.00062%); highest among the groups gnomAD compares: Admixed American, 0.013%; no homozygotes.

Submissions (2):

Ambry Genetics
Classification: Uncertain significance for Inborn genetic diseases. Last evaluated: 2025-03-11. Review status: criteria provided, single submitter. Criteria: Ambry Variant Classification Scheme 2023. Collection method: clinical testing. Allele origin: germline.

Labcorp Genetics (formerly Invitae), Labcorp
Classification: Uncertain significance for Neuropathy, hereditary sensory and autonomic, type 2A; Generalized epilepsy with febrile seizures plus, type 7. Last evaluated: 2023-12-11. Review status: criteria provided, single submitter. Criteria: Invitae Variant Classification Sherloc (09022015). Collection method: clinical testing. Allele origin: germline.
Comment: This sequence change replaces aspartic acid, which is acidic and polar, with glutamic acid, which is acidic and polar, at codon 1219 of the SCN9A protein (p.Asp1219Glu). This variant is present in population databases (rs750397053, gnomAD 0.006%). This variant has not been reported in the literature in individuals affected with SCN9A-related conditions. ClinVar contains an entry for this variant (Variation ID: 1051383). Advanced modeling of protein sequence and biophysical properties (such as structural, functional, and spatial information, amino acid conservation, physicochemical variation, residue mobility, and thermodynamic stability) has been performed at Invitae for this missense variant, however the output from this modeling did not meet the statistical confidence thresholds required to predict the impact of this variant on SCN9A protein function. In summary, the available evidence is currently insufficient to determine the role of this variant in disease. Therefore, it has been classified as a Variant of Uncertain Significance.